The following is an entry in ClinVar:

NM_000494.4(COL17A1):c.2992C>G (p.Pro998Ala)

Gene: COL17A1 (collagen type XVII alpha 1 chain; minus strand). Cytogenetic location: 10q25.1.
Variant type: single nucleotide variant.
Coding change: c.2992C>G on transcript NM_000494.4 (MANE Select); coding-DNA position 2992, C replaced by G.
Protein change: p.Pro998Ala; replaces proline 998 with alanine.
Molecular consequence: missense variant.
Genome position (GRCh38, 1-based): chr10:104,038,484, G>C on the plus strand (C>G on the coding strand, the complement: COL17A1 is on the minus strand). VCF-style: chr10-104038484-G-C. GRCh37 (hg19) VCF-style: chr10-105798242-G-C.
Other names: short protein forms P998A.
Identifiers: ClinVar variation 1922942 (VCV001922942.2), dbSNP rs1217077345, ClinGen allele CA378067542.

ClinVar aggregate classification (germline): Uncertain significance (1 of 4 stars; one submission).

Allele frequency attached by ClinVar (database versions not stated): TOPMed below 0.00001; gnomAD exomes 0.00001.
gnomAD v4.1: 9 of 1,613,866 alleles (0.00056%); highest among the groups gnomAD compares: Non-Finnish European, 0.00076%; no homozygotes.

Submission:

Labcorp Genetics (formerly Invitae), Labcorp
Classification: Uncertain significance. Last evaluated: 2022-10-19. Review status: criteria provided, single submitter. Criteria: Invitae Variant Classification Sherloc (09022015). Collection method: clinical testing. Allele origin: germline.
Comment: This sequence change replaces proline, which is neutral and non-polar, with alanine, which is neutral and non-polar, at codon 998 of the COL17A1 protein (p.Pro998Ala). This variant is present in population databases (no rsID available, gnomAD 0.0009%). This variant has not been reported in the literature in individuals affected with COL17A1-related conditions. Algorithms developed to predict the effect of missense changes on protein structure and function (SIFT, PolyPhen-2, Align-GVGD) all suggest that this variant is likely to be disruptive. In summary, the available evidence is currently insufficient to determine the role of this variant in disease. Therefore, it has been classified as a Variant of Uncertain Significance.